The following is an entry in ClinVar:

ClinVar aggregate classification (germline): Conflicting classifications of pathogenicity. Review status: criteria provided, conflicting classifications (1 of 4 stars). 2 submissions from 2 submitters: Uncertain significance (1); Benign (1). Last evaluated 2025-08-14.

Conditions:
Hereditary cancer-predisposing syndrome. Also called: Neoplastic Syndromes, Hereditary; Hereditary Cancer Syndrome; Hereditary neoplastic syndrome; Tumor predisposition. Identifiers: Orphanet 140162, MedGen C0027672, MeSH D009386, MONDO:0015356.
Hereditary breast ovarian cancer syndrome. Also called: Hereditary breast and/or ovarian cancer syndrome; Breast and ovarian cancer; BRCA1- and BRCA2-Associated Hereditary Breast and Ovarian Cancer; Hereditary breast and ovarian cancer syndrome; Hereditary breast and ovarian cancer syndrome (HBOC); Hereditary breast and ovarian cancer. Identifiers: Orphanet 145, MedGen C0677776, MeSH D061325, MONDO:0003582. Disease mechanism: loss of function.

Submissions (2):

Labcorp Genetics (formerly Invitae), Labcorp
Classification: Uncertain significance for Hereditary breast ovarian cancer syndrome. Last evaluated: 2025-08-14. Review status: criteria provided, single submitter. Criteria: Invitae Variant Classification Sherloc (09022015). Collection method: clinical testing. Allele origin: germline.
Comment: This sequence change replaces leucine, which is neutral and non-polar, with valine, which is neutral and non-polar, at codon 3074 of the BRCA2 protein (p.Leu3074Val). This variant is not present in population databases (gnomAD no frequency). This variant has not been reported in the literature in individuals affected with BRCA2-related conditions. ClinVar contains an entry for this variant (Variation ID: 1060796). Invitae Evidence Modeling of protein sequence and biophysical properties (such as structural, functional, and spatial information, amino acid conservation, physicochemical variation, residue mobility, and thermodynamic stability) indicates that this missense variant is not expected to disrupt BRCA2 protein function with a negative predictive value of 95%. In summary, the available evidence is currently insufficient to determine the role of this variant in disease. Therefore, it has been classified as a Variant of Uncertain Significance.

Ambry Genetics
Classification: Benign for Hereditary cancer-predisposing syndrome. Last evaluated: 2025-05-23. Review status: criteria provided, single submitter. Criteria: Ambry Variant Classification Scheme 2023. Collection method: clinical testing. Allele origin: germline.

NM_000059.4(BRCA2):c.9220C>G (p.Leu3074Val)

Gene: BRCA2 (BRCA2 DNA repair associated; plus strand). Cytogenetic location: 13q13.1.
Variant type: single nucleotide variant.
Coding change: c.9220C>G on transcript NM_000059.4 (MANE Select); coding-DNA position 9220, C replaced by G.
Protein change: p.Leu3074Val; replaces leucine 3074 with valine.
Molecular consequence: missense variant.
Genome position (GRCh38, 1-based): chr13:32,380,109, C>G. VCF-style: chr13-32380109-C-G. GRCh37 (hg19) VCF-style: chr13-32954246-C-G.
Other names: c.9220C>G (NM_000059.3); short protein forms L3074V.
Identifiers: ClinVar variation 1060796 (VCV001060796.8), dbSNP rs151275325, ClinGen allele CA387758445.